The following is an entry in ClinVar:

NM_000246.4(CIITA):c.3147_3149+2del

Gene: CIITA (class II major histocompatibility complex transactivator; plus strand). Cytogenetic location: 16p13.13.
Variant type: Deletion.
Coding change: c.3147_3149+2del on transcript NM_000246.4 (MANE Select); coding-DNA position 3147 through the canonical splice donor site of the intron after coding-DNA position 3149, 5 bases deleted (AAGGT; older notation c.3147_3149+2delAAGGT).
Molecular consequence: splice donor variant.
Genome position (GRCh38, 1-based): chr16:10,918,524-10,918,528, AAGGT deleted; deleting any 5 consecutive bases within chr16:10,918,523-10,918,528 gives the same sequence; the c. name uses the placement nearest the transcript's 3' end. VCF-style (leftmost placement, unchanged base first): chr16-10918522-CTAAGG-C. GRCh37 (hg19) VCF-style: chr16-11012379-CTAAGG-C.
Other names: c.3150_3152+2del (NM_001286402.1, NM_001379332.1); c.3003_3005+2del (NM_001379330.1); c.3147_3149+2del (NM_001379333.1); c.3000_3002+2del (NM_001379331.1); c.1395_1397+2del (NM_001286403.2); c.3078_3080+2del (NM_001379334.1).
Identifiers: ClinVar variation 1067548 (VCV001067548.7), dbSNP rs2145059680, ClinGen allele CA2499223195.

ClinVar aggregate classification (germline): Likely pathogenic (1 of 4 stars; one submission).

Conditions:
MHC class II deficiency. Also called: BLS, TYPE II; Bare lymphocyte syndrome 2. Identifiers: Orphanet 572, MedGen C5447452, MONDO:0008855.

Submission:

Labcorp Genetics (formerly Invitae), Labcorp
Classification: Likely pathogenic for MHC class II deficiency. Last evaluated: 2020-07-01. Review status: criteria provided, single submitter. Criteria: Invitae Variant Classification Sherloc (09022015). Collection method: clinical testing. Allele origin: germline.
Comment: This variant results in the deletion of part of exon 16 (c.3147_3149+2del) of the CIITA gene. It is expected to disrupt RNA splicing and likely results in an absent or disrupted protein product. This variant is not present in population databases (ExAC no frequency). This variant has not been reported in the literature in individuals with CIITA-related conditions. Algorithms developed to predict the effect of sequence changes on RNA splicing suggest that this variant may disrupt the consensus splice site, but this prediction has not been confirmed by published transcriptional studies. Loss-of-function variants in CIITA are known to be pathogenic (PMID: 8402893, 9099848, 26271388). In summary, the currently available evidence indicates that the variant is pathogenic, but additional data are needed to prove that conclusively. Therefore, this variant has been classified as Likely Pathogenic.

Literature cited by the submitters: PubMed 8402893; PubMed 9099848; PubMed 26271388.